The following is an entry in ClinVar:

NR_003051.4(RMRP):n.217_218insGCAGTGCGTGTCCGCGCACCAACCACACGGGGCTCATTCTCAGCGCGGCTGCTTTTTGTTCCCGAGACCA

Gene: RMRP (RNA component of mitochondrial RNA processing endoribonuclease; minus strand). Cytogenetic location: 9p13.3.
Variant type: Insertion.
Genome position: GRCh38: chr9:35,657,802-35,657,803. GRCh37 (hg19): chr9:35,657,799-35,657,800.
Identifiers: ClinVar variation 1347746 (VCV001347746.6), dbSNP rs2131807830, ClinGen allele CA2573144612.

ClinVar aggregate classification (germline): Uncertain significance (1 of 4 stars; one submission).

Conditions:
Anauxetic dysplasia. Identifiers: Orphanet 93347, MedGen C1846796, MONDO:0011773.

Submission:

Labcorp Genetics (formerly Invitae), Labcorp
Classification: Uncertain significance for Anauxetic dysplasia. Last evaluated: 2021-04-23. Review status: criteria provided, single submitter. Criteria: Invitae Variant Classification Sherloc (09022015). Collection method: clinical testing. Allele origin: germline.
Comment: In summary, the available evidence is currently insufficient to determine the role of this variant in disease. Therefore, it has been classified as a Variant of Uncertain Significance. Experimental studies and prediction algorithms are not available or were not evaluated, and the functional significance of this variant is currently unknown. This variant has not been reported in the literature in individuals with RMRP-related conditions. The frequency data for this variant in the population databases is considered unreliable, as metrics indicate insufficient coverage at this position in the ExAC database. This variant occurs in the RMRP gene, which encodes an RNA molecule that does not result in a protein product.